The following is an entry in ClinVar:

ClinVar aggregate classification (germline): Uncertain significance (1 of 4 stars; one submission).

Allele frequency attached by ClinVar (database versions not stated): ExAC 0.00001.
gnomAD v4.1: 2 of 1,611,956 alleles (0.00012%); highest among the groups gnomAD compares: Non-Finnish European, 0.00017%; no homozygotes.

Submission:

Labcorp Genetics (formerly Invitae), Labcorp
Classification: Uncertain significance. Last evaluated: 2022-09-26. Review status: criteria provided, single submitter. Criteria: Invitae Variant Classification Sherloc (09022015). Collection method: clinical testing. Allele origin: germline.
Comment: In summary, the available evidence is currently insufficient to determine the role of this variant in disease. Therefore, it has been classified as a Variant of Uncertain Significance. Advanced modeling of protein sequence and biophysical properties (such as structural, functional, and spatial information, amino acid conservation, physicochemical variation, residue mobility, and thermodynamic stability) performed at Invitae indicates that this missense variant is not expected to disrupt ACAN protein function. This variant has not been reported in the literature in individuals affected with ACAN-related conditions. This variant is present in population databases (rs776985817, gnomAD 0.0009%). This sequence change replaces glycine, which is neutral and non-polar, with alanine, which is neutral and non-polar, at codon 293 of the ACAN protein (p.Gly293Ala).

NM_001369268.1(ACAN):c.878G>C (p.Gly293Ala)

Gene: ACAN (aggrecan; plus strand). Cytogenetic location: 15q26.1.
Variant type: single nucleotide variant.
Coding change: c.878G>C on transcript NM_001369268.1 (MANE Select); coding-DNA position 878, G replaced by C.
Protein change: p.Gly293Ala; replaces glycine 293 with alanine.
Molecular consequence: missense variant.
Genome position (GRCh38, 1-based): chr15:88,843,475, G>C. VCF-style: chr15-88843475-G-C. GRCh37 (hg19) VCF-style: chr15-89386706-G-C.
Other names: c.878G>C, p.Gly293Ala (NM_001135.4, NM_001411096.1, NM_001411097.1 and 1 more transcripts); short protein forms G293A.
Identifiers: ClinVar variation 1720398 (VCV001720398.5), dbSNP rs776985817, ClinGen allele CA7719391.